The following is an entry in ClinVar:

NM_001005242.3(PKP2):c.476C>T (p.Ala159Val)

Gene: PKP2 (plakophilin 2; minus strand). Cytogenetic location: 12p11.21.
Variant type: single nucleotide variant.
Coding change: c.476C>T on transcript NM_001005242.3 (MANE Select); coding-DNA position 476, C replaced by T.
Protein change: p.Ala159Val; replaces alanine 159 with valine.
Molecular consequence: missense variant.
Genome position (GRCh38, 1-based): chr12:32,878,404, G>A on the plus strand (C>T on the coding strand, the complement: PKP2 is on the minus strand). VCF-style: chr12-32878404-G-A. GRCh37 (hg19) VCF-style: chr12-33031338-G-A.
Other names: c.476C>T, p.Ala159Val (NM_001407155.1, NM_001407156.1, NM_001407157.1 and 2 more transcripts); c.149C>T, p.Ala50Val (NM_001407158.1, NM_001407159.1, NM_001407160.1 and 1 more transcripts); short protein forms A159V, A50V.
Identifiers: ClinVar variation 2449722 (VCV002449722.4), dbSNP rs1956954851, ClinGen allele CA384365078.

ClinVar aggregate classification (germline): Conflicting classifications of pathogenicity. Review status: criteria provided, conflicting classifications (1 of 4 stars). 2 submissions from 2 submitters: Uncertain significance (1); Likely benign (1). Last evaluated 2024-05-04.

Conditions:
Cardiovascular phenotype. Identifiers: MedGen CN230736.
Arrhythmogenic right ventricular dysplasia 9 (ARVD9). Also called: ARRHYTHMOGENIC RIGHT VENTRICULAR DYSPLASIA, FAMILIAL, 9; Arrhythmogenic Right Ventricular Dysplasia/Cardiomyopathy 9. Identifiers: MedGen C1836906, MONDO:0012180, OMIM 609040.

Allele frequency attached by ClinVar (database versions not stated): gnomAD 0.00001.
gnomAD v4.1: 1 of 1,613,886 alleles (0.000062%); highest among the groups gnomAD compares: African/African-American, 0.0013%; no homozygotes.

Submissions (2):

Labcorp Genetics (formerly Invitae), Labcorp
Classification: Uncertain significance for Arrhythmogenic right ventricular dysplasia 9. Last evaluated: 2024-05-04. Review status: criteria provided, single submitter. Criteria: Invitae Variant Classification Sherloc (09022015). Collection method: clinical testing. Allele origin: germline.
Comment: This sequence change replaces alanine, which is neutral and non-polar, with valine, which is neutral and non-polar, at codon 159 of the PKP2 protein (p.Ala159Val). This variant is not present in population databases (gnomAD no frequency). This variant has not been reported in the literature in individuals affected with PKP2-related conditions. ClinVar contains an entry for this variant (Variation ID: 2449722). Algorithms developed to predict the effect of missense changes on protein structure and function output the following: SIFT: "Not Available"; PolyPhen-2: "Benign"; Align-GVGD: "Not Available". The valine amino acid residue is found in multiple mammalian species, which suggests that this missense change does not adversely affect protein function. In summary, the available evidence is currently insufficient to determine the role of this variant in disease. Therefore, it has been classified as a Variant of Uncertain Significance.

Ambry Genetics
Classification: Likely benign for Cardiovascular phenotype. Last evaluated: 2022-12-25. Review status: criteria provided, single submitter. Criteria: Ambry Variant Classification Scheme 2023. Collection method: clinical testing. Allele origin: germline.